The following is an entry in ClinVar:

ClinVar aggregate classification (germline): Pathogenic (1 of 4 stars; one submission).

Submission:

Quest Diagnostics Nichols Institute San Juan Capistrano
Classification: Pathogenic. Last evaluated: 2023-05-06. Review status: criteria provided, single submitter. Criteria: ACMG/ClinGen CNV Guidelines, 2019. Collection method: clinical testing. Allele origin: unknown.
Comment: The copy number loss of Xp21.1 appears to involve a single exon (exon 3; NM_004006.3) of DMD (OMIM 300377), which is predicted to be an in-frame deletion. Intragenic deletions and duplications as well as pathogenic sequence variants of DMD are associated with X-linked recessive Duchenne muscular dystrophy (DMD; OMIM 310200). In-frame deletions of DMD are predicted to result in Becker muscular dystrophy (BMD; OMIM 300376, Ling 2020, Tomar 2019). There are no similar copy number losses of this region in the general populations of the Database of Genomic Variants. Thus, based on current medical literature and gene content, this copy number variant (CNV) is interpreted as pathogenic. References: Ling et al., Hum Mutat. 2020 Mar;41(3):668-677. PMID: 31705731 Tomar et al., Am J Med Genet C Semin Med Genet. 2019 Jun;181(2):230-244. PMID: 31081998

GRCh37/hg19 Xp21.1(chrX:32867689-32935343)x0

Gene: DMD (dystrophin; minus strand). Cytogenetic location: Xp21.1.
Variant type: copy number loss.
Change: copy number 0 of chrX:32,867,689-32,935,343 (67.7 kb, GRCh37 coordinates, 1-based), cytogenetic band Xp21.1.
Identifiers: ClinVar variation 2684952 (VCV002684952.1).